The following is an entry in ClinVar:

NM_001277115.2(DNAH11):c.5779-1G>C

Gene: DNAH11 (dynein axonemal heavy chain 11; plus strand). Cytogenetic location: 7p15.3.
Variant type: single nucleotide variant.
Coding change: c.5779-1G>C on transcript NM_001277115.2 (MANE Select); the canonical splice acceptor site of the intron before coding-DNA position 5779, G replaced by C.
Molecular consequence: splice acceptor variant.
Genome position (GRCh38, 1-based): chr7:21,687,381, G>C. VCF-style: chr7-21687381-G-C. GRCh37 (hg19) VCF-style: chr7-21726999-G-C.
Identifiers: ClinVar variation 3017615 (VCV003017615.3), dbSNP rs2534917103, ClinGen allele CA366949542.

ClinVar aggregate classification (germline): Likely pathogenic (1 of 4 stars; one submission).

Conditions:
Primary ciliary dyskinesia. Also called: Ciliary dyskinesia. Identifiers: Orphanet 244, MedGen C0008780, MONDO:0016575, HP:0012265.

Submission:

Labcorp Genetics (formerly Invitae), Labcorp
Classification: Likely pathogenic for Primary ciliary dyskinesia. Last evaluated: 2023-06-03. Review status: criteria provided, single submitter. Criteria: Invitae Variant Classification Sherloc (09022015). Collection method: clinical testing. Allele origin: germline.
Comment: In summary, the currently available evidence indicates that the variant is pathogenic, but additional data are needed to prove that conclusively. Therefore, this variant has been classified as Likely Pathogenic. Algorithms developed to predict the effect of sequence changes on RNA splicing suggest that this variant may disrupt the consensus splice site. This variant has not been reported in the literature in individuals affected with DNAH11-related conditions. This variant is not present in population databases (gnomAD no frequency). This sequence change affects an acceptor splice site in intron 33 of the DNAH11 gene. It is expected to disrupt RNA splicing. Variants that disrupt the donor or acceptor splice site typically lead to a loss of protein function (PMID: 16199547), and loss-of-function variants in DNAH11 are known to be pathogenic (PMID: 18022865, 20513915, 22184204).

Literature cited by the submitters: PubMed 16199547; PubMed 18022865; PubMed 20513915; PubMed 22184204.